The following is an entry in ClinVar:

NM_001365276.2(TNXB):c.9062A>G (p.Tyr3021Cys)

Gene: TNXB (tenascin XB; minus strand). Cytogenetic location: 6p21.33.
Variant type: single nucleotide variant.
Coding change: c.9062A>G on transcript NM_001365276.2 (MANE Select); coding-DNA position 9062, A replaced by G.
Protein change: p.Tyr3021Cys; replaces tyrosine 3021 with cysteine.
Molecular consequence: missense variant.
Genome position (GRCh38, 1-based): chr6:32,052,723, T>C on the plus strand (A>G on the coding strand, the complement: TNXB is on the minus strand). VCF-style: chr6-32052723-T-C. GRCh37 (hg19) VCF-style: chr6-32020500-T-C.
Other names: c.9056A>G, p.Tyr3019Cys (NM_019105.8); short protein forms Y3019C, Y3021C.
Identifiers: ClinVar variation 3327908 (VCV003327908.1).

ClinVar aggregate classification (germline): Uncertain significance (1 of 4 stars; one submission).

Conditions:
Cardiovascular phenotype. Identifiers: MedGen CN230736.

Submission:

Ambry Genetics
Classification: Uncertain significance for Cardiovascular phenotype. Last evaluated: 2024-05-17. Review status: criteria provided, single submitter. Criteria: Ambry Variant Classification Scheme 2023. Collection method: clinical testing. Allele origin: germline.
Comment: The p.Y3019C variant (also known as c.9056A>G), located in coding exon 25 of the TNXB gene, results from an A to G substitution at nucleotide position 9056. The tyrosine at codon 3019 is replaced by cysteine, an amino acid with highly dissimilar properties. This amino acid position is conserved. In addition, the in silico prediction for this alteration is inconclusive. Based on the available evidence, the clinical significance of this variant remains unclear.